The following is an entry in ClinVar:

NM_005188.4(CBL):c.2467C>G (p.Pro823Ala)

Gene: CBL (Cbl proto-oncogene; plus strand). Cytogenetic location: 11q23.3.
Variant type: single nucleotide variant.
Coding change: c.2467C>G on transcript NM_005188.4 (MANE Select); coding-DNA position 2467, C replaced by G.
Protein change: p.Pro823Ala; replaces proline 823 with alanine.
Molecular consequence: missense variant.
Genome position (GRCh38, 1-based): chr11:119,299,527, C>G. VCF-style: chr11-119299527-C-G. GRCh37 (hg19) VCF-style: chr11-119170237-C-G.
Other names: short protein forms P823A.
Identifiers: ClinVar variation 4219833 (VCV004219833.1).
Genomic context (GRCh38, chr11:119,299,527, plus strand): 5'-CAAATATTTTCTTTCCTATTTCTTCTAGATGTCACTGAAGGTTCCCAAGTTCCCGAGAGG[C>G]CTCCAAAACCATTCCCGCGGAGAATCAACTCTGAACGGAAAGCTGGCAGCTGTCAGCAAG-3'
Protein context (NP_005179.2, residues 813-833): VTEGSQVPER[Pro823Ala]PKPFPRRINS

ClinVar aggregate classification (germline): Uncertain significance (1 of 4 stars; one submission).

Conditions:
Cardiovascular phenotype. Identifiers: MedGen CN230736.

Submission:

Ambry Genetics
Classification: Uncertain significance for Cardiovascular phenotype. Last evaluated: 2025-06-16. Review status: criteria provided, single submitter. Criteria: Ambry Variant Classification Scheme 2023. Collection method: clinical testing. Allele origin: germline.
Comment: The p.P823A variant (also known as c.2467C>G), located in coding exon 16 of the CBL gene, results from a C to G substitution at nucleotide position 2467. The proline at codon 823 is replaced by alanine, an amino acid with highly similar properties. This amino acid position is conserved. In addition, the in silico prediction for this alteration is inconclusive. Based on the available evidence, the clinical significance of this variant remains unclear.